The following is an entry in ClinVar:

NM_000255.4(MMUT):c.1274G>A (p.Trp425Ter)

Gene: MMUT (methylmalonyl-CoA mutase; minus strand). Cytogenetic location: 6p12.3.
Variant type: single nucleotide variant.
Coding change: c.1274G>A on transcript NM_000255.4 (MANE Select); coding-DNA position 1274, G replaced by A.
Protein change: p.Trp425Ter; replaces tryptophan 425 with a stop codon.
Molecular consequence: nonsense.
Genome position (GRCh38, 1-based): chr6:49,451,524, C>T on the plus strand (G>A on the coding strand, the complement: MMUT is on the minus strand). VCF-style: chr6-49451524-C-T. GRCh37 (hg19) VCF-style: chr6-49419237-C-T.
Other names: short protein forms W425*.
Identifiers: ClinVar variation 1453449 (VCV001453449.6), dbSNP rs2127417899, ClinGen allele CA364398750.

ClinVar aggregate classification (germline): Pathogenic (1 of 4 stars; one submission).

Allele frequency attached by ClinVar (database versions not stated): gnomAD exomes below 0.00001.
gnomAD v4.1: 2 of 1,614,040 alleles (0.00012%); highest among the groups gnomAD compares: Non-Finnish European, 0.00017%; no homozygotes.

Submission:

Labcorp Genetics (formerly Invitae), Labcorp
Classification: Pathogenic. Last evaluated: 2021-05-20. Review status: criteria provided, single submitter. Criteria: Invitae Variant Classification Sherloc (09022015). Collection method: clinical testing. Allele origin: germline.
Comment: For these reasons, this variant has been classified as Pathogenic. Algorithms developed to predict the effect of sequence changes on RNA splicing suggest that this variant may create or strengthen a splice site, but this prediction has not been confirmed by published transcriptional studies. This variant has not been reported in the literature in individuals with MUT-related conditions. This variant is not present in population databases (ExAC no frequency). This sequence change creates a premature translational stop signal (p.Trp425*) in the MUT gene. It is expected to result in an absent or disrupted protein product. Loss-of-function variants in MUT are known to be pathogenic (PMID: 15781192).

Literature cited by the submitters: PubMed 15781192.